The following is an entry in ClinVar:

NM_001035.3(RYR2):c.7253G>C (p.Arg2418Thr)

Gene: RYR2 (ryanodine receptor 2; plus strand). Cytogenetic location: 1q43.
Variant type: single nucleotide variant.
Coding change: c.7253G>C on transcript NM_001035.3 (MANE Select); coding-DNA position 7253, G replaced by C.
Protein change: p.Arg2418Thr; replaces arginine 2418 with threonine.
Molecular consequence: missense variant.
Genome position (GRCh38, 1-based): chr1:237,643,358, G>C. VCF-style: chr1-237643358-G-C. GRCh37 (hg19) VCF-style: chr1-237806658-G-C.
Other names: short protein forms R2418T.
Identifiers: ClinVar variation 2718119 (VCV002718119.3), dbSNP rs2546990675, ClinGen allele CA345396920.

ClinVar aggregate classification (germline): Uncertain significance (1 of 4 stars; one submission).

Conditions:
Catecholaminergic polymorphic ventricular tachycardia 1. Also called: VENTRICULAR TACHYCARDIA, STRESS-INDUCED POLYMORPHIC 1; RYR2-Related Catecholaminergic Polymorphic Ventricular Tachycardia; VENTRICULAR TACHYCARDIA, CATECHOLAMINERGIC POLYMORPHIC, 1, WITH OR WITHOUT ATRIAL DYSFUNCTION AND/OR DILATED CARDIOMYOPATHY. Identifiers: Orphanet 3286, MedGen C1631597, MONDO:0011484, OMIM 604772.

Submission:

Labcorp Genetics (formerly Invitae), Labcorp
Classification: Uncertain significance for Catecholaminergic polymorphic ventricular tachycardia 1. Last evaluated: 2023-06-17. Review status: criteria provided, single submitter. Criteria: Invitae Variant Classification Sherloc (09022015). Collection method: clinical testing. Allele origin: germline.
Comment: In summary, the available evidence is currently insufficient to determine the role of this variant in disease. Therefore, it has been classified as a Variant of Uncertain Significance. Advanced modeling of protein sequence and biophysical properties (such as structural, functional, and spatial information, amino acid conservation, physicochemical variation, residue mobility, and thermodynamic stability) performed at Invitae indicates that this missense variant is expected to disrupt RYR2 protein function. This variant has not been reported in the literature in individuals affected with RYR2-related conditions. This variant is not present in population databases (gnomAD no frequency). This sequence change replaces arginine, which is basic and polar, with threonine, which is neutral and polar, at codon 2418 of the RYR2 protein (p.Arg2418Thr).